The following is an entry in ClinVar:

ClinVar aggregate classification (germline): Uncertain significance. Review status: criteria provided, multiple submitters, no conflicts (2 of 4 stars). 2 submissions from 2 submitters: Uncertain significance (2). Last evaluated 2023-06-07.

Conditions:
Aicardi-Goutieres syndrome 7 (AGS7). Identifiers: Orphanet 51, MedGen C3888244, MONDO:0014367, OMIM 615846.
Singleton-Merten syndrome 1 (SGMRT1). Also called: Widened medullary cavities of bone, aortic calcification, abnormal dentition, and muscular weakness; Syndrome of widened medullary cavities of the metacarpals and phalanges, aortic calcification and abnormal dentition. Identifiers: Orphanet 85191, MedGen C4225427, MONDO:0024535, OMIM 182250.

Allele frequency attached by ClinVar (database versions not stated): gnomAD 0.00001; gnomAD exomes 0.00001; ExAC 0.00002.
gnomAD v4.1: 17 of 1,603,176 alleles (0.0011%); highest among the groups gnomAD compares: South Asian, 0.017%; no homozygotes.

Submissions (2):

Labcorp Genetics (formerly Invitae), Labcorp
Classification: Uncertain significance for Aicardi-Goutieres syndrome 7; Singleton-Merten syndrome 1. Last evaluated: 2023-06-07. Review status: criteria provided, single submitter. Criteria: Invitae Variant Classification Sherloc (09022015). Collection method: clinical testing. Allele origin: germline.
Comment: In summary, the available evidence is currently insufficient to determine the role of this variant in disease. Therefore, it has been classified as a Variant of Uncertain Significance. Advanced modeling of protein sequence and biophysical properties (such as structural, functional, and spatial information, amino acid conservation, physicochemical variation, residue mobility, and thermodynamic stability) has been performed at Invitae for this missense variant, however the output from this modeling did not meet the statistical confidence thresholds required to predict the impact of this variant on IFIH1 protein function. This variant has not been reported in the literature in individuals affected with IFIH1-related conditions. This sequence change replaces serine, which is neutral and polar, with threonine, which is neutral and polar, at codon 291 of the IFIH1 protein (p.Ser291Thr). This variant is present in population databases (rs777709086, gnomAD 0.02%).

GeneDx
Classification: Uncertain significance. Last evaluated: 2023-04-22. Review status: criteria provided, single submitter. Criteria: GeneDx Variant Classification Process June 2021. Collection method: clinical testing. Allele origin: germline. Affected: yes.
Comment: In silico analysis supports that this missense variant does not alter protein structure/function; Has not been previously published as pathogenic or benign to our knowledge

NM_022168.4(IFIH1):c.871T>A (p.Ser291Thr)

Gene: IFIH1 (interferon induced with helicase C domain 1; minus strand). Cytogenetic location: 2q24.2.
Variant type: single nucleotide variant.
Coding change: c.871T>A on transcript NM_022168.4 (MANE Select); coding-DNA position 871, T replaced by A.
Protein change: p.Ser291Thr; replaces serine 291 with threonine.
Molecular consequence: missense variant.
Genome position (GRCh38, 1-based): chr2:162,293,567, A>T on the plus strand (T>A on the coding strand, the complement: IFIH1 is on the minus strand). VCF-style: chr2-162293567-A-T. GRCh37 (hg19) VCF-style: chr2-163150077-A-T.
Other names: short protein forms S291T.
Identifiers: ClinVar variation 2662517 (VCV002662517.4), dbSNP rs777709086, ClinGen allele CA1934695.
Genomic context (GRCh38, chr2:162,293,567, plus strand): 5'-CACTATATGGCGTCTTATTTCACACTTTTTAAGGTTTACACAACAGTTAGGCAGTACCTG[A>T]ATCACTTCCCATGGTGCCTGAATCACTGCCCATGTTGCTGTTATGTCCAAGACTTTCATC-3'
Protein context (NP_071451.2, residues 281-301): GSDSGTMGSD[Ser291Thr]DEENVAARAS